The following is an entry in ClinVar:

NM_005902.4(SMAD3):c.311G>C (p.Arg104Pro)

Gene: SMAD3 (SMAD family member 3; plus strand). Cytogenetic location: 15q22.33.
Variant type: single nucleotide variant.
Coding change: c.311G>C on transcript NM_005902.4 (MANE Select); coding-DNA position 311, G replaced by C.
Protein change: p.Arg104Pro; replaces arginine 104 with proline.
Molecular consequence: missense variant. On other transcripts: 5 prime UTR variant (3).
Genome position (GRCh38, 1-based): chr15:67,164,999, G>C. VCF-style: chr15-67164999-G-C. GRCh37 (hg19) VCF-style: chr15-67457337-G-C.
Other names: c.-5G>C (NM_001145102.2, NM_001407015.1, NM_001407016.1); c.179G>C, p.Arg60Pro (NM_001145103.2); c.311G>C, p.Arg104Pro (NM_001407011.1, NM_001407012.1, NM_001407013.1); c.164G>C, p.Arg55Pro (NM_001407014.1); short protein forms R104P, R55P, R60P.
Identifiers: ClinVar variation 3958350 (VCV003958350.1).

ClinVar aggregate classification (germline): Uncertain significance (1 of 4 stars; one submission).

Conditions:
Familial thoracic aortic aneurysm and aortic dissection (TAAD). Also called: Thoracic aortic aneurysms and dissections. Identifiers: Orphanet 91387, MedGen C4707243, MONDO:0019625.

Submission:

Ambry Genetics
Classification: Uncertain significance for Familial thoracic aortic aneurysm and aortic dissection. Last evaluated: 2025-06-07. Review status: criteria provided, single submitter. Criteria: Ambry Variant Classification Scheme 2023. Collection method: clinical testing. Allele origin: germline.
Comment: The p.R104P variant (also known as c.311G>C), located in coding exon 2 of the SMAD3 gene, results from a G to C substitution at nucleotide position 311. The arginine at codon 104 is replaced by proline, an amino acid with dissimilar properties. This amino acid position is conserved. In addition, this alteration is predicted to be deleterious by in silico analysis. Based on the available evidence, the clinical significance of this variant remains unclear.